The following is an entry in ClinVar:

NM_015874.6(RBPJ):c.103G>A (p.Val35Ile)

Genes: RBPJ (recombination signal binding protein for immunoglobulin kappa J region; plus strand), LOC126807011 (MED14-independent group 3 enhancer GRCh37_chr4:26407341-26408540; plus strand). Cytogenetic location: 4p15.2.
Variant type: single nucleotide variant.
Coding change: c.103G>A on transcript NM_015874.6 (MANE Select); coding-DNA position 103, G replaced by A.
Protein change: p.Val35Ile; replaces valine 35 with isoleucine.
Molecular consequence: missense variant.
Genome position (GRCh38, 1-based): chr4:26,406,218, G>A. VCF-style: chr4-26406218-G-A. GRCh37 (hg19) VCF-style: chr4-26407840-G-A.
Other names: c.37G>A, p.Val13Ile (NM_001363577.2, NM_203283.5); c.142G>A, p.Val48Ile (NM_001374400.1, NM_001379408.1, NM_005349.4); c.100G>A, p.Val34Ile (NM_001374401.1, NM_001374402.1, NM_001374403.1 and 3 more transcripts); c.97G>A, p.Val33Ile (NM_001379409.1); short protein forms V13I, V33I, V34I, V35I, V48I.
Identifiers: ClinVar variation 2781515 (VCV002781515.3), dbSNP rs769300879, ClinGen allele CA356669205.

ClinVar aggregate classification (germline): Uncertain significance (1 of 4 stars; one submission).

gnomAD v4.1: 1 of 1,612,826 alleles (0.000062%); highest among the groups gnomAD compares: Admixed American, 0.0017%; no homozygotes.

Submission:

Labcorp Genetics (formerly Invitae), Labcorp
Classification: Uncertain significance. Last evaluated: 2023-09-29. Review status: criteria provided, single submitter. Criteria: Invitae Variant Classification Sherloc (09022015). Collection method: clinical testing. Allele origin: germline.
Comment: This sequence change replaces valine, which is neutral and non-polar, with isoleucine, which is neutral and non-polar, at codon 48 of the RBPJ protein (p.Val48Ile). This variant is not present in population databases (gnomAD no frequency). This variant has not been reported in the literature in individuals affected with RBPJ-related conditions. Advanced modeling of protein sequence and biophysical properties (such as structural, functional, and spatial information, amino acid conservation, physicochemical variation, residue mobility, and thermodynamic stability) performed at Invitae indicates that this missense variant is not expected to disrupt RBPJ protein function. In summary, the available evidence is currently insufficient to determine the role of this variant in disease. Therefore, it has been classified as a Variant of Uncertain Significance.